The following is an entry in ClinVar:

ClinVar aggregate classification (germline): Uncertain significance. Review status: criteria provided, multiple submitters, no conflicts (2 of 4 stars). 2 submissions from 2 submitters: Uncertain significance (2). Last evaluated 2025-02-14.

Conditions:
Hereditary cancer-predisposing syndrome. Also called: Tumor predisposition; Hereditary Cancer Syndrome; Hereditary neoplastic syndrome; Neoplastic Syndromes, Hereditary. Identifiers: Orphanet 140162, MedGen C0027672, MeSH D009386, MONDO:0015356.
POLD1-related polyposis and colorectal cancer syndrome (CRCS10). Also called: Colorectal cancer 10; COLORECTAL CANCER, SUSCEPTIBILITY TO, ON CHROMOSOME 19q; Colorectal cancer, susceptibility to, 10. Identifiers: Orphanet 220460, MedGen C2675481, MONDO:0012953, OMIM 612591.

Submissions (2):

Ambry Genetics
Classification: Uncertain significance for Hereditary cancer-predisposing syndrome. Last evaluated: 2025-02-14. Review status: criteria provided, single submitter. Criteria: Ambry Variant Classification Scheme 2023. Collection method: clinical testing. Allele origin: germline.
Comment: The p.T620R variant (also known as c.1859C>G), located in coding exon 14 of the POLD1 gene, results from a C to G substitution at nucleotide position 1859. The threonine at codon 620 is replaced by arginine, an amino acid with similar properties. This amino acid position is highly conserved in available vertebrate species. In addition, this alteration is predicted to be deleterious by in silico analysis. Based on the available evidence, the clinical significance of this variant remains unclear.

Labcorp Genetics (formerly Invitae), Labcorp
Classification: Uncertain significance for POLD1-related polyposis and colorectal cancer syndrome. Last evaluated: 2025-02-12. Review status: criteria provided, single submitter. Criteria: Invitae Variant Classification Sherloc (09022015). Collection method: clinical testing. Allele origin: germline.
Comment: This sequence change replaces threonine, which is neutral and polar, with arginine, which is basic and polar, at codon 620 of the POLD1 protein (p.Thr620Arg). This variant is not present in population databases (gnomAD no frequency). This variant has not been reported in the literature in individuals affected with POLD1-related conditions. ClinVar contains an entry for this variant (Variation ID: 1021493). Invitae Evidence Modeling of protein sequence and biophysical properties (such as structural, functional, and spatial information, amino acid conservation, physicochemical variation, residue mobility, and thermodynamic stability) indicates that this missense variant is expected to disrupt POLD1 protein function with a positive predictive value of 80%. In summary, the available evidence is currently insufficient to determine the role of this variant in disease. Therefore, it has been classified as a Variant of Uncertain Significance.

NM_002691.4(POLD1):c.1859C>G (p.Thr620Arg)

Gene: POLD1 (DNA polymerase delta 1, catalytic subunit; plus strand). Cytogenetic location: 19q13.33.
Variant type: single nucleotide variant.
Coding change: c.1859C>G on transcript NM_002691.4 (MANE Select); coding-DNA position 1859, C replaced by G.
Protein change: p.Thr620Arg; replaces threonine 620 with arginine.
Molecular consequence: missense variant. On other transcripts: non-coding transcript variant (1).
Genome position (GRCh38, 1-based): chr19:50,408,868, C>G. VCF-style: chr19-50408868-C-G. GRCh37 (hg19) VCF-style: chr19-50912125-C-G.
Other names: c.1859C>G (NM_002691.2); c.1859C>G, p.Thr620Arg (NM_001256849.1); c.1937C>G, p.Thr646Arg (NM_001308632.1); short protein forms T620R, T646R.
Identifiers: ClinVar variation 1021493 (VCV001021493.11), dbSNP rs1309243644, ClinGen allele CA406982109.